The following is an entry in ClinVar:

NM_005677.4(COLQ):c.*1395C>T

Gene: COLQ (collagen like tail subunit of asymmetric acetylcholinesterase; minus strand). Cytogenetic location: 3p25.1.
Variant type: single nucleotide variant.
Coding change: c.*1395C>T on transcript NM_005677.4 (MANE Select); 1395 bases downstream of the stop codon, C replaced by T.
Molecular consequence: 3 prime UTR variant.
Genome position (GRCh38, 1-based): chr3:15,450,249, G>A on the plus strand (C>T on the coding strand, the complement: COLQ is on the minus strand). VCF-style: chr3-15450249-G-A. GRCh37 (hg19) VCF-style: chr3-15491756-G-A.
Other names: c.*1395C>T (NM_080538.2, NM_080539.4).
Identifiers: ClinVar variation 343823 (VCV000343823.6), dbSNP rs3274, ClinGen allele CA10617742.
Genomic context (GRCh38, chr3:15,450,249, plus strand): 5'-GGTGGAAGCAGCATGAAAACAACATCTCCCCAGGCCTCGCAGTAGAGGCGAAGGGAACAG[G>A]GCTGCCCATGTGCCTGTCTCTAAAGACGCCACCCTCAGGTTGATGTCACCTGTGGGAGAC-3'

ClinVar aggregate classification (germline): Benign. Review status: criteria provided, multiple submitters, no conflicts (2 of 4 stars). 2 submissions from 2 submitters: Benign (2). Last evaluated 2018-01-13.

Conditions:
Congenital myasthenic syndrome 5. Identifiers: Orphanet 590, MedGen C1864233, MONDO:0011281, OMIM 603034.

Allele frequency attached by ClinVar (database versions not stated): gnomAD exomes 0.32587; TOPMed 0.37869; 1000 Genomes Project 30x 0.38804; 1000 Genomes Project 0.38858.
gnomAD v4.1: 57,512 of 152,990 alleles (38%); highest among the groups gnomAD compares: East Asian, 49%; 10,867 homozygotes.

Submissions (2):

Illumina Laboratory Services, Illumina
Classification: Benign for Congenital myasthenic syndrome 5. Last evaluated: 2018-01-13. Review status: criteria provided, single submitter. Criteria: ICSL Variant Classification Criteria 13 December 2019. Collection method: clinical testing. Allele origin: germline.
Comment: This variant was observed in the ICSL laboratory as part of a predisposition screen in an ostensibly healthy population. It had not been previously curated by ICSL or reported in the Human Gene Mutation Database (HGMD: prior to June 1st, 2018), and was therefore a candidate for classification through an automated scoring system. Utilizing variant allele frequency, disease prevalence and penetrance estimates, and inheritance mode, an automated score was calculated to assess if this variant is too frequent to cause the disease. Based on the score and internal cut-off values, a variant classified as benign is not then subjected to further curation. The score for this variant resulted in a classification of benign for this disease.

Breakthrough Genomics
Classification: Benign. Review status: criteria provided, single submitter. Criteria: ACMG Guidelines, 2015. Collection method: not provided. Allele origin: germline. Inheritance: Autosomal recessive inheritance. Affected: yes.